The following is an entry in ClinVar:

NM_015046.7(SETX):c.6546+10C>T

Gene: SETX (senataxin; minus strand). Cytogenetic location: 9q34.13.
Variant type: single nucleotide variant.
Coding change: c.6546+10C>T on transcript NM_015046.7 (MANE Select); 10 bases into the intron after coding-DNA position 6546, C replaced by T.
Molecular consequence: intron variant.
Genome position (GRCh38, 1-based): chr9:132,283,254, G>A on the plus strand (C>T on the coding strand, the complement: SETX is on the minus strand). VCF-style: chr9-132283254-G-A. GRCh37 (hg19) VCF-style: chr9-135158641-G-A.
Other names: c.6546+10C>T (NM_015046.5, NM_001351528.2, NM_001351527.2).
Identifiers: ClinVar variation 1089068 (VCV001089068.12), dbSNP rs571194790, ClinGen allele CA5296696.

ClinVar aggregate classification (germline): Likely benign. Review status: criteria provided, multiple submitters, no conflicts (2 of 4 stars). 3 submissions from 3 submitters: Likely benign (2). 1 of the submissions does not count toward it. Last evaluated 2025-10-25.

Conditions:
Amyotrophic lateral sclerosis type 4 (ALS4). Also called: NEURONOPATHY, DISTAL HEREDITARY MOTOR, WITH PYRAMIDAL FEATURES; AMYOTROPHIC LATERAL SCLEROSIS 4, JUVENILE. Identifiers: Orphanet 357043, MedGen C1865409, MONDO:0011223, OMIM 602433.
Spinocerebellar ataxia, autosomal recessive, with axonal neuropathy 2 (SCAN2). Also called: Ataxia-ocular apraxia-2; ATAXIA-OCULOMOTOR APRAXIA 2; Ataxia with Oculomotor Apraxia; Ataxia with Oculomotor Apraxia Type 2. Identifiers: Orphanet 64753, MedGen C1853761, MONDO:0018996, OMIM 606002.
SETX-related disorder. Also called: SETX-related condition; SETX-related disorders. Identifiers: MedGen CN239403.

Allele frequency attached by ClinVar (database versions not stated): gnomAD exomes 0.00004 and 0.00003; TOPMed 0.00003; gnomAD 0.00004 and 0.00005; 1000 Genomes Project 0.00020; ExAC 0.00006; 1000 Genomes Project 30x 0.00016.
gnomAD v4.1: 55 of 1,613,888 alleles (0.0034%); highest among the groups gnomAD compares: South Asian, 0.02%; no homozygotes.

Submissions (3):

Labcorp Genetics (formerly Invitae), Labcorp
Classification: Likely benign for Amyotrophic lateral sclerosis type 4; Spinocerebellar ataxia, autosomal recessive, with axonal neuropathy 2. Last evaluated: 2025-10-25. Review status: criteria provided, single submitter. Criteria: Invitae Variant Classification Sherloc (09022015). Collection method: clinical testing. Allele origin: germline.

Athena Diagnostics
Classification: Likely benign. Last evaluated: 2024-01-24. Review status: criteria provided, single submitter. Criteria: Athena Diagnostics Criteria. Collection method: clinical testing. Allele origin: unknown.

PreventionGenetics, part of Exact Sciences
Classification: Likely benign for SETX-related condition. Last evaluated: 2019-03-13. Review status: no assertion criteria provided. Collection method: clinical testing. Allele origin: germline. Not counted in ClinVar's aggregate classification.
Comment: This variant is classified as likely benign based on ACMG/AMP sequence variant interpretation guidelines (Richards et al. 2015 PMID: 25741868, with internal and published modifications).